The following is an entry in ClinVar:

ClinVar aggregate classification (germline): Likely benign. Review status: criteria provided, multiple submitters, no conflicts (2 of 4 stars). 2 submissions from 2 submitters: Likely benign (2). Last evaluated 2021-04-23.

Conditions:
Developmental and epileptic encephalopathy, 1 (DEE1). Also called: INFANTILE SPASM SYNDROME, X-LINKED 1; Tonic spasms with clustering, arrest of psychomotor development and hypsarrhythmia on EEG; X-Linked Infantile Spasm Syndrome; X-linked infantile spasms; West's syndrome; OHTAHARA SYNDROME, X-LINKED. Identifiers: MedGen C3463992, MONDO:0010632, OMIM 308350. Disease mechanism: loss of function.
Autosomal recessive spinocerebellar ataxia 12. Also called: SPINOCEREBELLAR ATAXIA WITH MENTAL RETARDATION AND EPILEPSY. Identifiers: Orphanet 284282, MedGen C3280452, MONDO:0013687, OMIM 614322.

Allele frequency attached by ClinVar (database versions not stated): gnomAD 0.00001; TOPMed 0.00001; gnomAD exomes 0.00004; ExAC 0.00013.
gnomAD v4.1: 33 of 1,556,654 alleles (0.0021%); highest among the groups gnomAD compares: South Asian, 0.037%; no homozygotes.

Submissions (2):

Labcorp Genetics (formerly Invitae), Labcorp
Classification: Likely benign for Developmental and epileptic encephalopathy, 1; Autosomal recessive spinocerebellar ataxia 12. Last evaluated: 2021-04-23. Review status: criteria provided, single submitter. Criteria: Invitae Variant Classification Sherloc (09022015). Collection method: clinical testing. Allele origin: germline.

GeneDx
Classification: Likely benign. Last evaluated: 2016-07-15. Review status: criteria provided, single submitter. Criteria: GeneDx Variant Classification (06012015). Collection method: clinical testing. Allele origin: germline. Affected: yes.
Comment: This variant is considered likely benign or benign based on one or more of the following criteria: it is a conservative change, it occurs at a poorly conserved position in the protein, it is predicted to be benign by multiple in silico algorithms, and/or has population frequency not consistent with disease.

NM_016373.4(WWOX):c.9G>C (p.Ala3=)

Gene: WWOX (WW domain containing oxidoreductase; plus strand). Cytogenetic location: 16q23.1.
Variant type: single nucleotide variant.
Coding change: c.9G>C on transcript NM_016373.4 (MANE Select); coding-DNA position 9, G replaced by C.
Protein change: p.Ala3=; no amino-acid change (alanine 3 retained).
Molecular consequence: synonymous variant. On other transcripts: 5 prime UTR variant (1), non-coding transcript variant (2).
Genome position (GRCh38, 1-based): chr16:78,099,787, G>C. VCF-style: chr16-78099787-G-C. GRCh37 (hg19) VCF-style: chr16-78133684-G-C.
Other names: c.-266G>C (NM_001291997.2); c.9G>C, p.Ala3= (NM_130791.5).
Identifiers: ClinVar variation 387576 (VCV000387576.9), dbSNP rs778036247, ClinGen allele CA8182974.
Genomic context (GRCh38, chr16:78,099,787, plus strand): 5'-GAGTGGACCCGGCAGCGGGCGATAGGGGGGCCAGGTGCCTCCACAGTCAGCCATGGCAGC[G>C]CTGCGCTACGCGGGGCTGGACGACACGGACAGTGAGGACGAGCTGCCTCCGGGCTGGGAG-3'
Protein context (NP_057457.1, residues 1-13): MA[Ala3=]LRYAGLDDTD